The following is an entry in ClinVar:

NM_006231.4(POLE):c.2810dup (p.Tyr937Ter)

Gene: POLE (DNA polymerase epsilon, catalytic subunit; minus strand). Cytogenetic location: 12q24.33.
Variant type: Duplication.
Coding change: c.2810dup on transcript NM_006231.4 (MANE Select); coding-DNA position 2810, one base duplicated (A; older notation c.2810dupA).
Protein change: p.Tyr937Ter; replaces tyrosine 937 with a stop codon.
Molecular consequence: nonsense.
Genome position (GRCh38, 1-based): chr12:132,661,581, T duplicated on the plus strand (A on the coding strand, the reverse complement: POLE is on the minus strand). VCF-style (leftmost placement, unchanged base first): chr12-132661580-G-GT. GRCh37 (hg19) VCF-style: chr12-133238166-G-GT.
Other names: short protein forms Y937*.
Identifiers: ClinVar variation 1472744 (VCV001472744.6), dbSNP rs2135948486, ClinGen allele CA2573148207.

ClinVar aggregate classification (germline): Pathogenic (1 of 4 stars; one submission).

Submission:

Labcorp Genetics (formerly Invitae), Labcorp
Classification: Pathogenic. Last evaluated: 2022-05-12. Review status: criteria provided, single submitter. Criteria: Invitae Variant Classification Sherloc (09022015). Collection method: clinical testing. Allele origin: germline.
Comment: Experimental studies and prediction algorithms are not available or were not evaluated, and the functional significance of this variant is currently unknown. This sequence change creates a premature translational stop signal (p.Tyr937*) in the POLE gene. It is expected to result in an absent or disrupted protein product. Loss-of-function variants in POLE are known to be pathogenic (PMID: 23230001, 25948378, 30503519). This variant is not present in population databases (gnomAD no frequency). This variant has not been reported in the literature in individuals affected with POLE-related conditions. For these reasons, this variant has been classified as Pathogenic.

Literature cited by the submitters: PubMed 23230001; PubMed 25948378; PubMed 30503519.